The following is an entry in ClinVar:

NM_018136.5(ASPM):c.1480del (p.Ser494fs)

Gene: ASPM (assembly factor for spindle microtubules; minus strand). Cytogenetic location: 1q31.3.
Variant type: Deletion.
Coding change: c.1480del on transcript NM_018136.5 (MANE Select); coding-DNA position 1480, one base deleted (T; older notation c.1480delT).
Protein change: p.Ser494fs; shifts the reading frame from serine 494.
Molecular consequence: frameshift variant.
Genome position (GRCh38, 1-based): chr1:197,142,772, A deleted on the plus strand (T on the coding strand, the reverse complement: ASPM is on the minus strand); the first of 3 consecutive A bases (chr1:197,142,772-197,142,774); deleting any one gives the same sequence. VCF-style (leftmost placement, unchanged base first): chr1-197142771-GA-G. GRCh37 (hg19) VCF-style: chr1-197111901-GA-G.
Other names: c.1480del, p.Ser494fs (NM_001206846.2); c.1480delT (NM_018136.5); short protein forms S494fs.
Identifiers: ClinVar variation 3902257 (VCV003902257.1).

ClinVar aggregate classification (germline): Pathogenic (1 of 4 stars; one submission).

Conditions:
Autosomal recessive primary microcephaly. Identifiers: Orphanet 2512, MedGen C3711387, MONDO:0016660.

Submission:

Women's Health and Genetics/Laboratory Corporation of America, LabCorp
Classification: Pathogenic for Autosomal recessive primary microcephaly. Last evaluated: 2025-05-13. Review status: criteria provided, single submitter. Criteria: LabCorp Variant Classification Summary - May 2015. Collection method: clinical testing. Allele origin: germline.
Comment: Variant summary: ASPM c.1480delT (p.Ser494LeufsX38) results in a premature termination codon, predicted to cause a truncation of the encoded protein or absence of the protein due to nonsense mediated decay, which are commonly known mechanisms for disease. The variant was absent in 251258 control chromosomes. To our knowledge, no occurrence of c.1480delT in individuals affected with Primary microcephaly and no experimental evidence demonstrating its impact on protein function have been reported. No submitters have cited clinical-significance assessments for this variant to ClinVar. Based on the evidence outlined above, the variant was classified as pathogenic.